The following is an entry in ClinVar:

ClinVar aggregate classification (germline): Uncertain significance (1 of 4 stars; one submission).

Conditions:
Aortic aneurysm, familial thoracic 7 (AAT7). Also called: AORTIC DISSECTION, FAMILIAL, WITH OR WITHOUT AORTIC ANEURYSM. Identifiers: MedGen C3151077, MONDO:0013418, OMIM 613780.

Submission:

Labcorp Genetics (formerly Invitae), Labcorp
Classification: Uncertain significance for Aortic aneurysm, familial thoracic 7. Last evaluated: 2023-02-17. Review status: criteria provided, single submitter. Criteria: Invitae Variant Classification Sherloc (09022015). Collection method: clinical testing. Allele origin: germline.
Comment: In summary, the available evidence is currently insufficient to determine the role of this variant in disease. Therefore, it has been classified as a Variant of Uncertain Significance. Advanced modeling of protein sequence and biophysical properties (such as structural, functional, and spatial information, amino acid conservation, physicochemical variation, residue mobility, and thermodynamic stability) performed at Invitae indicates that this missense variant is not expected to disrupt MYLK protein function. This sequence change replaces proline, which is neutral and non-polar, with threonine, which is neutral and polar, at codon 387 of the MYLK protein (p.Pro387Thr). This variant is not present in population databases (gnomAD no frequency). ClinVar contains an entry for this variant (Variation ID: 957717). This variant has not been reported in the literature in individuals affected with MYLK-related conditions.

NM_053025.4(MYLK):c.1159C>A (p.Pro387Thr)

Gene: MYLK (myosin light chain kinase; minus strand). Cytogenetic location: 3q21.1.
Variant type: single nucleotide variant.
Coding change: c.1159C>A on transcript NM_053025.4 (MANE Select); coding-DNA position 1159, C replaced by A.
Protein change: p.Pro387Thr; replaces proline 387 with threonine.
Molecular consequence: missense variant.
Genome position (GRCh38, 1-based): chr3:123,733,837, G>T on the plus strand (C>A on the coding strand, the complement: MYLK is on the minus strand). VCF-style: chr3-123733837-G-T. GRCh37 (hg19) VCF-style: chr3-123452684-G-T.
Other names: c.631C>A, p.Pro211Thr (NM_001321309.2); c.1159C>A, p.Pro387Thr (NM_053026.4, NM_053027.4, NM_053028.4); short protein forms P211T, P387T.
Identifiers: ClinVar variation 957717 (VCV000957717.9), dbSNP rs2062577743, ClinGen allele CA354239392.